The following is an entry in ClinVar:

ClinVar aggregate classification (germline): Uncertain significance. Review status: criteria provided, multiple submitters, no conflicts (2 of 4 stars). 2 submissions from 2 submitters: Uncertain significance (2). Last evaluated 2026-05-12.

Conditions:
PRX-related disorder. Also called: PRX-Related Disorders; PRX-related condition.
Charcot-Marie-Tooth disease type 4. Also called: Charcot-Marie-Tooth disease, type IV; Charcot-Marie-Tooth, Type 4. Identifiers: Orphanet 64749, MedGen C4082197, MONDO:0018995.

Allele frequency attached by ClinVar (database versions not stated): gnomAD exomes below 0.00001.
gnomAD v4.1: 1 of 1,609,160 alleles (0.000062%); highest among the groups gnomAD compares: Admixed American, 0.0017%; no homozygotes.

Submissions (2):

PreventionGenetics, part of Exact Sciences
Classification: Uncertain significance for PRX-related condition. Last evaluated: 2026-05-12. Review status: criteria provided, single submitter. Criteria: ACMG Guidelines, 2015. Collection method: clinical testing. Allele origin: germline.
Comment: The PRX c.2152A>G variant is predicted to result in the amino acid substitution p.Lys718Glu. To our knowledge, this variant has not been reported in the literature or in a large population database (gnomAD), indicating this variant is rare. At this time, the clinical significance of this variant is uncertain due to the absence of conclusive functional and genetic evidence.

Labcorp Genetics (formerly Invitae), Labcorp
Classification: Uncertain significance for Charcot-Marie-Tooth disease type 4. Last evaluated: 2021-09-01. Review status: criteria provided, single submitter. Criteria: Invitae Variant Classification Sherloc (09022015). Collection method: clinical testing. Allele origin: germline.
Comment: This sequence change replaces lysine with glutamic acid at codon 718 of the PRX protein (p.Lys718Glu). The lysine residue is moderately conserved and there is a small physicochemical difference between lysine and glutamic acid. This variant is not present in population databases (ExAC no frequency). This variant has not been reported in the literature in individuals affected with PRX-related conditions. Algorithms developed to predict the effect of missense changes on protein structure and function are either unavailable or do not agree on the potential impact of this missense change (SIFT: "Tolerated"; PolyPhen-2: "Possibly Damaging"; Align-GVGD: "Class C0"). In summary, the available evidence is currently insufficient to determine the role of this variant in disease. Therefore, it has been classified as a Variant of Uncertain Significance.

NM_181882.3(PRX):c.2152A>G (p.Lys718Glu)

Gene: PRX (periaxin; minus strand). Cytogenetic location: 19q13.2.
Variant type: single nucleotide variant.
Coding change: c.2152A>G on transcript NM_181882.3 (MANE Select); coding-DNA position 2152, A replaced by G.
Protein change: p.Lys718Glu; replaces lysine 718 with glutamic acid.
Molecular consequence: missense variant. On other transcripts: 3 prime UTR variant (1).
Genome position (GRCh38, 1-based): chr19:40,396,200, T>C on the plus strand (A>G on the coding strand, the complement: PRX is on the minus strand). VCF-style: chr19-40396200-T-C. GRCh37 (hg19) VCF-style: chr19-40902107-T-C.
Other names: c.*2357A>G (NM_020956.2); short protein forms K718E.
Identifiers: ClinVar variation 953325 (VCV000953325.8), dbSNP rs2079433906, ClinGen allele CA405896893.